The following is an entry in ClinVar:

NM_003803.4(MYOM1):c.4492G>T (p.Ala1498Ser)

Gene: MYOM1 (myomesin 1; minus strand). Cytogenetic location: 18p11.31.
Variant type: single nucleotide variant.
Coding change: c.4492G>T on transcript NM_003803.4 (MANE Select); coding-DNA position 4492, G replaced by T.
Protein change: p.Ala1498Ser; replaces alanine 1498 with serine.
Molecular consequence: missense variant.
Genome position (GRCh38, 1-based): chr18:3,079,335, C>A on the plus strand (G>T on the coding strand, the complement: MYOM1 is on the minus strand). VCF-style: chr18-3079335-C-A. GRCh37 (hg19) VCF-style: chr18-3079333-C-A.
Other names: c.4204G>T, p.Ala1402Ser (NM_019856.2); short protein forms A1402S, A1498S.
Identifiers: ClinVar variation 1740980 (VCV001740980.4), dbSNP rs768530234, ClinGen allele CA401708286.
Genomic context (GRCh38, chr18:3,079,335, plus strand): 5'-TTTGTAGCCAGATCTGCTCTCCAGTGACCCCGGTCTTAACTCTGTCTGAGTACCTAATGG[C>A]GGACCCACTGTGAAAATCGAAGAAAACTTCCTTAGCATTTGCTTCCATCCAGGGCTGATC-3'
Protein context (NP_003794.3, residues 1488-1508): LKVNWSHNGS[Ala1498Ser]IRYSDRVKTG

ClinVar aggregate classification (germline): Uncertain significance. Review status: criteria provided, multiple submitters, no conflicts (2 of 4 stars). 2 submissions from 2 submitters: Uncertain significance (2). Last evaluated 2024-07-09.

Conditions:
Hypertrophic cardiomyopathy. Also called: HYPERTROPHIC MYOCARDIOPATHY. Identifiers: Orphanet 217569, MedGen C0007194, MeSH D002312, MONDO:0005045, HP:0001639.

gnomAD v4.1: 11 of 1,605,882 alleles (0.00068%); highest among the groups gnomAD compares: Non-Finnish European, 0.00094%; no homozygotes.

Submissions (2):

Labcorp Genetics (formerly Invitae), Labcorp
Classification: Uncertain significance for Hypertrophic cardiomyopathy. Last evaluated: 2024-07-09. Review status: criteria provided, single submitter. Criteria: Invitae Variant Classification Sherloc (09022015). Collection method: clinical testing. Allele origin: germline.
Comment: This sequence change replaces alanine, which is neutral and non-polar, with serine, which is neutral and polar, at codon 1498 of the MYOM1 protein (p.Ala1498Ser). This variant is present in population databases (no rsID available, gnomAD 0.0009%). This variant has not been reported in the literature in individuals affected with MYOM1-related conditions. ClinVar contains an entry for this variant (Variation ID: 1740980). Advanced modeling of protein sequence and biophysical properties (such as structural, functional, and spatial information, amino acid conservation, physicochemical variation, residue mobility, and thermodynamic stability) performed at Invitae indicates that this missense variant is not expected to disrupt MYOM1 protein function with a negative predictive value of 80%. In summary, the available evidence is currently insufficient to determine the role of this variant in disease. Therefore, it has been classified as a Variant of Uncertain Significance.

Ambry Genetics
Classification: Uncertain significance. Last evaluated: 2021-07-07. Review status: criteria provided, single submitter. Criteria: Ambry Variant Classification Scheme 2023. Collection method: clinical testing. Allele origin: germline.
Comment: The p.A1498S variant (also known as c.4492G>T), located in coding exon 33 of the MYOM1 gene, results from a G to T substitution at nucleotide position 4492. The alanine at codon 1498 is replaced by serine, an amino acid with similar properties. This amino acid position is conserved. In addition, this alteration is predicted to be tolerated by in silico analysis. Since supporting evidence is limited at this time, the clinical significance of this alteration remains unclear.